The following is an entry in ClinVar:

ClinVar aggregate classification (germline): Pathogenic. Review status: criteria provided, multiple submitters, no conflicts (2 of 4 stars). 2 submissions from 2 submitters: Pathogenic (2). Last evaluated 2023-02-15.

Conditions:
Hereditary cancer-predisposing syndrome. Also called: Neoplastic Syndromes, Hereditary; Tumor predisposition; Hereditary Cancer Syndrome; Hereditary neoplastic syndrome. Identifiers: Orphanet 140162, MedGen C0027672, MeSH D009386, MONDO:0015356.

Submissions (2):

Labcorp Genetics (formerly Invitae), Labcorp
Classification: Pathogenic for Hereditary cancer-predisposing syndrome. Last evaluated: 2023-02-15. Review status: criteria provided, single submitter. Criteria: Invitae Variant Classification Sherloc (09022015). Collection method: clinical testing. Allele origin: germline.
Comment: This sequence change creates a premature translational stop signal (p.Arg1148Tyrfs*17) in the RAD50 gene. It is expected to result in an absent or disrupted protein product. Loss-of-function variants in RAD50 are known to be pathogenic (PMID: 19409520). This variant is not present in population databases (gnomAD no frequency). This variant has not been reported in the literature in individuals affected with RAD50-related conditions. For these reasons, this variant has been classified as Pathogenic.

Ambry Genetics
Classification: Pathogenic for Hereditary cancer-predisposing syndrome. Last evaluated: 2019-07-09. Review status: criteria provided, single submitter. Criteria: Ambry Variant Classification Scheme 2023. Collection method: clinical testing. Allele origin: germline.
Comment: The c.3440_3441dupTA pathogenic mutation, located in coding exon 22 of the RAD50 gene, results from a duplication of TA at nucleotide position 3440, causing a translational frameshift with a predicted alternate stop codon (p.R1148Yfs*17). This alteration is expected to result in loss of function by premature protein truncation or nonsense-mediated mRNA decay. As such, this alteration is interpreted as a disease-causing mutation.

Literature cited by the submitters: PubMed 19409520 (cited by Labcorp Genetics (formerly Invitae), Labcorp).

NM_005732.4(RAD50):c.3440_3441dup (p.Arg1148fs)

Genes: TH2LCRR (T helper type 2 locus control region associated RNA; minus strand), RAD50 (RAD50 double strand break repair protein; plus strand), TH2-LCR (Th2 cytokine locus control region; plus strand). Cytogenetic location: 5q31.1.
Variant type: Microsatellite.
Coding change: c.3440_3441dup on transcript NM_005732.4 (MANE Select); coding-DNA positions 3440 to 3441, 2 bases duplicated (TA; older notation c.3440_3441dupTA).
Protein change: p.Arg1148fs; shifts the reading frame from arginine 1148.
Molecular consequence: frameshift variant.
Genome position (GRCh38, 1-based): chr5:132,637,165-132,637,166, TA duplicated; duplicating any 2 consecutive bases within chr5:132,637,163-132,637,166 gives the same sequence; the c. name uses the placement nearest the transcript's 3' end. VCF-style (leftmost placement, unchanged base first): chr5-132637162-T-TTA. GRCh37 (hg19) VCF-style: chr5-131972854-T-TTA.
Other names: short protein forms R1148fs.
Identifiers: ClinVar variation 527363 (VCV000527363.11), dbSNP rs1554100863, ClinGen allele CA658796634.